The following is an entry in ClinVar:

ClinVar aggregate classification (germline): Uncertain significance (1 of 4 stars; one submission).

Conditions:
NR1H4-related disorder. Also called: NR1H4-related condition.

Submission:

PreventionGenetics, part of Exact Sciences
Classification: Uncertain significance for NR1H4-related condition. Last evaluated: 2026-03-26. Review status: criteria provided, single submitter. Criteria: ACMG Guidelines, 2015. Collection method: clinical testing. Allele origin: germline.
Comment: The NR1H4 c.818T>A variant is predicted to result in the amino acid substitution p.Ile273Asn. To our knowledge, this variant has not been reported in the literature or in a large population database (gnomAD), indicating this variant is rare. At this time, the clinical significance of this variant is uncertain due to the absence of conclusive functional and genetic evidence.

NM_001206979.2(NR1H4):c.830T>A (p.Ile277Asn)

Gene: NR1H4 (nuclear receptor subfamily 1 group H member 4; plus strand). Cytogenetic location: 12q23.1.
Variant type: single nucleotide variant.
Coding change: c.830T>A on transcript NM_001206979.2 (MANE Select); coding-DNA position 830, T replaced by A.
Protein change: p.Ile277Asn; replaces isoleucine 277 with asparagine.
Molecular consequence: missense variant. On other transcripts: non-coding transcript variant (1).
Genome position (GRCh38, 1-based): chr12:100,536,609, T>A. VCF-style: chr12-100536609-T-A. GRCh37 (hg19) VCF-style: chr12-100930387-T-A.
Other names: c.830T>A, p.Ile277Asn (NM_001206977.2); c.677T>A, p.Ile226Asn (NM_001206978.2); c.848T>A, p.Ile283Asn (NM_001206992.2); c.860T>A, p.Ile287Asn (NM_001206993.2); c.818T>A, p.Ile273Asn (NM_005123.4); short protein forms I273N, I287N, I277N, I226N, I283N.
Identifiers: ClinVar variation 4996372 (VCV004996372.1).